The following is an entry in ClinVar:

ClinVar aggregate classification (germline): Uncertain significance (1 of 4 stars; one submission).

Conditions:
Inborn genetic diseases. Identifiers: MedGen C0950123, MeSH D030342.

Submission:

Ambry Genetics
Classification: Uncertain significance for Inborn genetic diseases. Last evaluated: 2021-09-30. Review status: criteria provided, single submitter. Criteria: Ambry Variant Classification Scheme 2023. Collection method: clinical testing. Allele origin: germline.
Comment: The c.5227G>A (p.D1743N) alteration is located in exon 34 (coding exon 33) of the USP9X gene. This alteration results from a G to A substitution at nucleotide position 5227, causing the aspartic acid (D) at amino acid position 1743 to be replaced by an asparagine (N). This variant was not reported in population-based cohorts in the Genome Aggregation Database (gnomAD). This amino acid position is highly conserved in available vertebrate species. This alteration is predicted to be tolerated by in silico analysis. Based on insufficient or conflicting evidence, the clinical significance of this alteration remains unclear.

NM_001039591.3(USP9X):c.5227G>A (p.Asp1743Asn)

Gene: USP9X (ubiquitin specific peptidase 9 X-linked; plus strand). Cytogenetic location: Xp11.4.
Variant type: single nucleotide variant.
Coding change: c.5227G>A on transcript NM_001039591.3 (MANE Select); coding-DNA position 5227, G replaced by A.
Protein change: p.Asp1743Asn; replaces aspartic acid 1743 with asparagine.
Molecular consequence: missense variant.
Genome position (GRCh38, 1-based): chrX:41,214,605, G>A. VCF-style: chrX-41214605-G-A. GRCh37 (hg19) VCF-style: chrX-41073858-G-A.
Other names: c.5227G>A, p.Asp1743Asn (NM_001039590.3); c.5242G>A, p.Asp1748Asn (NM_001410748.1, NM_001410749.1); short protein forms D1743N, D1748N.
Identifiers: ClinVar variation 2248343 (VCV002248343.2), dbSNP rs2519366861, ClinGen allele CA412787555.